The following is an entry in ClinVar:

ClinVar aggregate classification (germline): Uncertain significance (1 of 4 stars; one submission).

Conditions:
Epidermolysis bullosa simplex 5C, with pyloric atresia (EBS5C). Also called: Epidermolysis bullosa simplex with pyloric atresia; PLEC-Related Epidermolysis Bullosa with Pyloric Atresia; PLEC1-Related Epidermolysis Bullosa with Pyloric Atresia. Identifiers: Orphanet 158684, MedGen C2677349, MONDO:0012807, OMIM 612138.
Epidermolysis bullosa simplex with nail dystrophy (EBS5D). Identifiers: MedGen C4225309, MONDO:0014661, OMIM 616487.
Epidermolysis bullosa simplex 5B, with muscular dystrophy (EBS5B). Also called: Epidermolysis bullosa simplex with muscular dystrophy; EPIDERMOLYSIS BULLOSA SIMPLEX AND LIMB-GIRDLE MUSCULAR DYSTROPHY. Identifiers: Orphanet 257, MedGen C2931072, MONDO:0009181, OMIM 226670.
Autosomal recessive limb-girdle muscular dystrophy type 2Q (LGMDR17). Also called: MUSCULAR DYSTROPHY, LIMB-GIRDLE, AUTOSOMAL RECESSIVE 17. Identifiers: Orphanet 254361, MedGen C3150989, MONDO:0013390, OMIM 613723.
Epidermolysis bullosa simplex, Ogna type (EBS5A). Also called: Pidermolysis bullosa simplex 5A, Ogna type; EPIDERMOLYSIS BULLOSA SIMPLEX 5A, OGNA TYPE. Identifiers: Orphanet 79401, MedGen C0432317, MONDO:0007555, OMIM 131950.

Allele frequency attached by ClinVar (database versions not stated): gnomAD exomes 0.00004 and 0.00007; ExAC 0.00007; 1000 Genomes Project 0.00020; 1000 Genomes Project 30x 0.00031.
gnomAD v4.1: 58 of 1,606,422 alleles (0.0036%); highest among the groups gnomAD compares: South Asian, 0.059%; no homozygotes.

Submission:

Labcorp Genetics (formerly Invitae), Labcorp
Classification: Uncertain significance for Autosomal recessive limb-girdle muscular dystrophy type 2Q; Epidermolysis bullosa simplex, Ogna type; Epidermolysis bullosa simplex with nail dystrophy; Epidermolysis bullosa simplex 5C, with pyloric atresia; Epidermolysis bullosa simplex 5B, with muscular dystrophy. Last evaluated: 2022-03-18. Review status: criteria provided, single submitter. Criteria: Invitae Variant Classification Sherloc (09022015). Collection method: clinical testing. Allele origin: germline.
Comment: This sequence change replaces threonine, which is neutral and polar, with isoleucine, which is neutral and non-polar, at codon 3091 of the PLEC protein (p.Thr3091Ile). This variant is present in population databases (rs530059869, gnomAD 0.05%). This variant has not been reported in the literature in individuals affected with PLEC-related conditions. Algorithms developed to predict the effect of missense changes on protein structure and function (SIFT, PolyPhen-2, Align-GVGD) all suggest that this variant is likely to be disruptive. In summary, the available evidence is currently insufficient to determine the role of this variant in disease. Therefore, it has been classified as a Variant of Uncertain Significance.

NM_201384.3(PLEC):c.9191C>T (p.Thr3064Ile)

Gene: PLEC (plectin; minus strand). Cytogenetic location: 8q24.3.
Variant type: single nucleotide variant.
Coding change: c.9191C>T on transcript NM_201384.3 (MANE Select); coding-DNA position 9191, C replaced by T.
Protein change: p.Thr3064Ile; replaces threonine 3064 with isoleucine.
Molecular consequence: missense variant.
Genome position (GRCh38, 1-based): chr8:143,920,630, G>A on the plus strand (C>T on the coding strand, the complement: PLEC is on the minus strand). VCF-style: chr8-143920630-G-A. GRCh37 (hg19) VCF-style: chr8-144994798-G-A.
Other names: c.9272C>T, p.Thr3091Ile (NM_000445.5); c.9149C>T, p.Thr3050Ile (NM_201378.4); c.9125C>T, p.Thr3042Ile (NM_201379.3); c.9602C>T, p.Thr3201Ile (NM_201380.4); c.9095C>T, p.Thr3032Ile (NM_201381.3); c.9191C>T, p.Thr3064Ile (NM_201382.4); c.9203C>T, p.Thr3068Ile (NM_201383.3); short protein forms T3032I, T3050I, T3064I, T3091I, T3042I, T3068I, T3201I.
Identifiers: ClinVar variation 1401478 (VCV001401478.11), dbSNP rs530059869, ClinGen allele CA4925046.